The following is an entry in ClinVar:

NM_001291303.3(FAT4):c.13925A>G (p.Lys4642Arg)

Gene: FAT4 (FAT atypical cadherin 4; plus strand). Cytogenetic location: 4q28.1.
Variant type: single nucleotide variant.
Coding change: c.13925A>G on transcript NM_001291303.3 (MANE Select); coding-DNA position 13925, A replaced by G.
Protein change: p.Lys4642Arg; replaces lysine 4642 with arginine.
Molecular consequence: missense variant.
Genome position (GRCh38, 1-based): chr4:125,490,741, A>G. VCF-style: chr4-125490741-A-G. GRCh37 (hg19) VCF-style: chr4-126411896-A-G.
Other names: c.13922A>G, p.Lys4641Arg (NM_001291285.3); c.13919A>G, p.Lys4640Arg (NM_024582.6); c.13919A>G (NM_024582.5, NM_024582.4); short protein forms K4641R, K4642R, K4640R.
Identifiers: ClinVar variation 1356000 (VCV001356000.6), dbSNP rs2126097301, ClinGen allele CA358138961.

ClinVar aggregate classification (germline): Uncertain significance. Review status: criteria provided, multiple submitters, no conflicts (2 of 4 stars). 3 submissions from 3 submitters: Uncertain significance (3). Last evaluated 2025-10-07.

Conditions:
Hennekam lymphangiectasia-lymphedema syndrome 2 (HKLLS2). Identifiers: Orphanet 2136, MedGen C4014939, MONDO:0014454, OMIM 616006.
Van Maldergem syndrome 2 (VMLDS2). Identifiers: Orphanet 314679, MedGen C3809875, MONDO:0014242, OMIM 615546.
Inborn genetic diseases. Identifiers: MedGen C0950123, MeSH D030342.

Allele frequency attached by ClinVar (database versions not stated): gnomAD exomes 0.00001.

Submissions (3):

Ambry Genetics
Classification: Uncertain significance for Inborn genetic diseases. Last evaluated: 2025-10-07. Review status: criteria provided, single submitter. Criteria: Ambry Variant Classification Scheme 2023. Collection method: clinical testing. Allele origin: germline.

Fulgent Genetics
Classification: Uncertain significance for Van Maldergem syndrome 2; Hennekam lymphangiectasia-lymphedema syndrome 2. Last evaluated: 2024-06-09. Review status: criteria provided, single submitter. Criteria: ACMG Guidelines, 2015. Collection method: clinical testing. Allele origin: germline.

Labcorp Genetics (formerly Invitae), Labcorp
Classification: Uncertain significance. Last evaluated: 2022-02-24. Review status: criteria provided, single submitter. Criteria: Invitae Variant Classification Sherloc (09022015). Collection method: clinical testing. Allele origin: germline.
Comment: This sequence change replaces lysine, which is basic and polar, with arginine, which is basic and polar, at codon 4640 of the FAT4 protein (p.Lys4640Arg). This variant is not present in population databases (gnomAD no frequency). This variant has not been reported in the literature in individuals affected with FAT4-related conditions. Advanced modeling of protein sequence and biophysical properties (such as structural, functional, and spatial information, amino acid conservation, physicochemical variation, residue mobility, and thermodynamic stability) performed at Invitae indicates that this missense variant is not expected to disrupt FAT4 protein function. Algorithms developed to predict the effect of sequence changes on RNA splicing suggest that this variant may create or strengthen a splice site. In summary, the available evidence is currently insufficient to determine the role of this variant in disease. Therefore, it has been classified as a Variant of Uncertain Significance.